The following is an entry in ClinVar:

NM_002474.3(MYH11):c.4355A>G (p.Lys1452Arg)

Genes: NDE1 (nudE neurodevelopment protein 1; plus strand), MYH11 (myosin heavy chain 11; minus strand). Cytogenetic location: 16p13.11.
Variant type: single nucleotide variant.
Coding change: c.4355A>G on transcript NM_002474.3 (MANE Select); coding-DNA position 4355, A replaced by G.
Protein change: p.Lys1452Arg; replaces lysine 1452 with arginine.
Molecular consequence: missense variant. On other transcripts: intron variant (2).
Genome position (GRCh38, 1-based): chr16:15,724,171, T>C on the plus strand (A>G on the coding strand, the complement: MYH11 is on the minus strand). VCF-style: chr16-15724171-T-C. GRCh37 (hg19) VCF-style: chr16-15818028-T-C.
Other names: c.4376A>G, p.Lys1459Arg (NM_001040113.2, NM_001040114.2); c.4355A>G, p.Lys1452Arg (NM_022844.3); c.948-20T>C (NM_001143979.2, NM_017668.3); short protein forms K1459R, K1452R.
Identifiers: ClinVar variation 626605 (VCV000626605.8), dbSNP rs1567699253, ClinGen allele CA394856866.

ClinVar aggregate classification (germline): Uncertain significance. Review status: criteria provided, multiple submitters, no conflicts (2 of 4 stars). 4 submissions from 4 submitters: Uncertain significance (4). Last evaluated 2024-06-22.

Conditions:
Familial thoracic aortic aneurysm and aortic dissection (TAAD). Also called: Thoracic aortic aneurysms and dissections. Identifiers: Orphanet 91387, MedGen C4707243, MONDO:0019625.

Allele frequency attached by ClinVar (database versions not stated): gnomAD exomes below 0.00001.
gnomAD v4.1: 1 of 1,613,618 alleles (0.000062%); highest among the groups gnomAD compares: South Asian, 0.0011%; no homozygotes.

Submissions (4):

Ambry Genetics
Classification: Uncertain significance for Familial thoracic aortic aneurysm and aortic dissection. Last evaluated: 2024-06-22. Review status: criteria provided, single submitter. Criteria: Ambry Variant Classification Scheme 2023. Collection method: clinical testing. Allele origin: germline.
Comment: The p.K1452R variant (also known as c.4355A>G), located in coding exon 30 of the MYH11 gene, results from an A to G substitution at nucleotide position 4355. The lysine at codon 1452 is replaced by arginine, an amino acid with highly similar properties. This amino acid position is conserved. In addition, the in silico prediction for this alteration is inconclusive. Based on the available evidence, the clinical significance of this variant remains unclear.

All of Us Research Program, National Institutes of Health
Classification: Uncertain significance for Familial thoracic aortic aneurysm and aortic dissection. Last evaluated: 2024-05-14. Review status: criteria provided, single submitter. Criteria: ACMG Guidelines, 2015. Collection method: clinical testing. Allele origin: germline. Inheritance: Autosomal dominant inheritance. Observed: 1 variant allele, 1 heterozygote.
Comment: This missense variant replaces lysine with arginine at codon 1459 of the MYH11 protein. Computational prediction is inconclusive regarding the impact of this variant on protein structure and function (internally defined REVEL score threshold 0.5 < inconclusive < 0.7, PMID: 27666373). Splice site prediction tools suggest that this variant may not impact RNA splicing. To our knowledge, functional studies have not been performed for this variant. This variant has not been reported in individuals affected with cardiovascular disorders in the literature. This variant has not been identified in the general population by the Genome Aggregation Database (gnomAD). The available evidence is insufficient to determine the role of this variant in disease conclusively. Therefore, this variant is classified as a Variant of Uncertain Significance.

This study involves interpretation of variants in research participants for the purpose of population health screening. Participant phenotype was not available at the time of variant classification. Additional details can be found in publication PMID: 35346344, PMCID: PMC8962531

Color Diagnostics, LLC DBA Color Health
Classification: Uncertain significance for Familial thoracic aortic aneurysm and aortic dissection. Last evaluated: 2024-03-06. Review status: criteria provided, single submitter. Criteria: ACMG Guidelines, 2015. Collection method: clinical testing. Allele origin: germline.
Comment: This missense variant replaces lysine with arginine at codon 1459 of the MYH11 protein. Computational prediction is inconclusive regarding the impact of this variant on protein structure and function (internally defined REVEL score threshold 0.5 < inconclusive < 0.7, PMID: 27666373). Splice site prediction tools suggest that this variant may not impact RNA splicing. To our knowledge, functional studies have not been performed for this variant. This variant has not been reported in individuals affected with cardiovascular disorders in the literature. This variant has not been identified in the general population by the Genome Aggregation Database (gnomAD). The available evidence is insufficient to determine the role of this variant in disease conclusively. Therefore, this variant is classified as a Variant of Uncertain Significance.

CHEO Genetics Diagnostic Laboratory, Children's Hospital of Eastern Ontario
Classification: Uncertain significance for Familial thoracic aortic aneurysm and aortic dissection. Last evaluated: 2016-10-20. Review status: criteria provided, single submitter. Criteria: ACMG Guidelines, 2015. Collection method: clinical testing. Allele origin: germline. Study: Canadian Open Genetics Repository.